The following is an entry in ClinVar:

NM_001376.5(DYNC1H1):c.4543-6del

Gene: DYNC1H1 (dynein cytoplasmic 1 heavy chain 1; plus strand). Cytogenetic location: 14q32.31.
Variant type: Deletion.
Coding change: c.4543-6del on transcript NM_001376.5 (MANE Select); 6 bases into the intron before coding-DNA position 4543, one base deleted (C; older notation c.4543-6delC).
Molecular consequence: intron variant.
Genome position (GRCh38, 1-based): chr14:102,002,531, C deleted; the last of 3 consecutive C bases (chr14:102,002,529-102,002,531); deleting any one gives the same sequence. VCF-style (leftmost placement, unchanged base first): chr14-102002528-GC-G. GRCh37 (hg19) VCF-style: chr14-102468865-GC-G.
Identifiers: ClinVar variation 3905507 (VCV003905507.10).

ClinVar aggregate classification (germline): Uncertain significance (1 of 4 stars; one submission).

Submission:

CeGaT Center for Human Genetics Tuebingen
Classification: Uncertain significance. Last evaluated: 2025-05-01. Review status: criteria provided, single submitter. Criteria: CeGaT Center For Human Genetics Tuebingen Variant Classification Criteria Version 2. Collection method: clinical testing. Allele origin: germline. Affected: yes. Observed: 1 variant allele.
Comment: DYNC1H1: PM2, BP4